The following is an entry in ClinVar:

NM_001165963.4(SCN1A):c.4328A>T (p.Asp1443Val)

Genes: SCN1A (sodium voltage-gated channel alpha subunit 1; minus strand), LOC102724058 (uncharacterized LOC102724058; plus strand). Cytogenetic location: 2q24.3.
Variant type: single nucleotide variant.
Coding change: c.4328A>T on transcript NM_001165963.4 (MANE Select); coding-DNA position 4328, A replaced by T.
Protein change: p.Asp1443Val; replaces aspartic acid 1443 with valine.
Molecular consequence: missense variant. On other transcripts: non-coding transcript variant (1).
Genome position (GRCh38, 1-based): chr2:165,999,733, T>A on the plus strand (A>T on the coding strand, the complement: SCN1A is on the minus strand). VCF-style: chr2-165999733-T-A. GRCh37 (hg19) VCF-style: chr2-166856243-T-A.
Other names: c.4295A>T, p.Asp1432Val (NM_001353952.2, NM_006920.6, NM_001353949.2 and 2 more transcripts); c.4292A>T, p.Asp1431Val (NM_001353954.2, NM_001353955.2); c.4244A>T, p.Asp1415Val (NM_001353957.2, NM_001353958.2, NM_001165964.3); c.4241A>T, p.Asp1414Val (NM_001353960.2); c.1886A>T, p.Asp629Val (NM_001353961.2); c.4328A>T, p.Asp1443Val (NM_001202435.3, NM_001353948.2); short protein forms D1414V, D1415V, D1431V, D1432V, D1443V, D629V.
Identifiers: ClinVar variation 4864129 (VCV004864129.2).

ClinVar aggregate classification (germline): Pathogenic (1 of 4 stars; one submission).

Conditions:
Inborn genetic diseases. Identifiers: MedGen C0950123, MeSH D030342.

Submission:

Ambry Genetics
Classification: Pathogenic for Inborn genetic diseases. Last evaluated: 2026-07-28. Review status: criteria provided, single submitter. Criteria: Ambry Variant Classification Scheme 2023. Collection method: clinical testing. Allele origin: germline.
Comment: The c.4328A>T (p.D1443V) alteration is located in exon 22 (coding exon 22) of the SCN1A gene. This alteration results from an A to T substitution at nucleotide position 4328, causing the aspartic acid (D) at amino acid position 1443 to be replaced by a valine (V). for SCN1A-related seizure disorders; however, its clinical significance for SCN1A-related hemiplegic migraine is uncertain. This variant was not reported in population-based cohorts in the Genome Aggregation Database (gnomAD). This variant was determined to be de novo in at least one individual with features consistent with SCN1A-related seizure disorders (Jiang, 2018). Other variant(s) at the same codon, c.4327G>C (p.D1443H), have been identified in individual(s) with features consistent with SCN1A-related seizure disorders (Ambry internal data). This amino acid position is highly conserved in available vertebrate species. This missense variant is located in a region that has a low rate of benign missense variation (Lek, 2016; Firth, 2009). This alteration is predicted to be deleterious by in silico analysis. Based on the available evidence, this alteration is classified as pathogenic.

Literature cited by the submitters: PubMed 30558019.